The following is an entry in ClinVar:

NM_004415.4(DSP):c.2298-10C>T

Gene: DSP (desmoplakin; plus strand). Cytogenetic location: 6p24.3.
Variant type: single nucleotide variant.
Coding change: c.2298-10C>T on transcript NM_004415.4 (MANE Select); 10 bases into the intron before coding-DNA position 2298, C replaced by T.
Molecular consequence: intron variant.
Genome position (GRCh38, 1-based): chr6:7,574,647, C>T. VCF-style: chr6-7574647-C-T. GRCh37 (hg19) VCF-style: chr6-7574880-C-T.
Other names: c.2298-10C>T (LRG_423t1, NM_001319034.2, NM_001008844.3).
Identifiers: ClinVar variation 387846 (VCV000387846.15), dbSNP rs1057522919, ClinGen allele CA16605143.
Genomic context (GRCh38, chr6:7,574,647, plus strand): 5'-TGTGAGAGGCAAATCTTCACAGACTAATTATGTCACTGGCAATTTTATGTGCTTCTTTTG[C>T]TCTTTCCAGCTTATGCACAGTAAGGGCACTGCTCCAGGCTATTCTCCAAACAGAAGACAT-3'

ClinVar aggregate classification (germline): Likely benign. Review status: criteria provided, multiple submitters, no conflicts (2 of 4 stars). 4 submissions from 4 submitters: Likely benign (4). Last evaluated 2026-01-31.

Conditions:
Arrhythmogenic right ventricular dysplasia 8 (ARVD8). Also called: Arrhythmogenic Right Ventricular Dysplasia/Cardiomyopathy 8; ARRHYTHMOGENIC RIGHT VENTRICULAR DYSPLASIA, FAMILIAL, 8; ARRHYTHMOGENIC RIGHT VENTRICULAR CARDIOMYOPATHY 8. Identifiers: MedGen C1843896, MONDO:0011831, OMIM 607450.
Arrhythmogenic cardiomyopathy with wooly hair and keratoderma. Also called: Carvajal syndrome; Dilated cardiomyopathy with woolly hair and keratoderma; Arrhythmogenic cardiomyopathy with woolly hair and keratoderma; PALMOPLANTAR KERATODERMA WITH LEFT VENTRICULAR CARDIOMYOPATHY AND WOOLLY HAIR. Identifiers: Orphanet 65282, MedGen C1854063, MONDO:0011581, OMIM 605676.
Cardiomyopathy (CMYO). Also called: Cardiomyopathies. Identifiers: Orphanet 167848, MedGen C0878544, MONDO:0004994, HP:0001638. Inheritance: Various modes of inheritance.

Allele frequency attached by ClinVar (database versions not stated): gnomAD exomes below 0.00001; TOPMed below 0.00001.
gnomAD v4.1: 1 of 1,613,970 alleles (0.000062%); highest among the groups gnomAD compares: Non-Finnish European, 0.000085%; no homozygotes.

Submissions (4):

Labcorp Genetics (formerly Invitae), Labcorp
Classification: Likely benign for Arrhythmogenic cardiomyopathy with wooly hair and keratoderma; Arrhythmogenic right ventricular dysplasia 8. Last evaluated: 2026-01-31. Review status: criteria provided, single submitter. Criteria: Invitae Variant Classification Sherloc (09022015). Collection method: clinical testing. Allele origin: germline.

Blueprint Genetics
Classification: Likely benign. Last evaluated: 2024-11-25. Review status: criteria provided, single submitter. Criteria: ACMG Guidelines, 2015. Collection method: clinical testing. Allele origin: germline.

Color Diagnostics, LLC DBA Color Health
Classification: Likely benign for Cardiomyopathy. Last evaluated: 2023-10-10. Review status: criteria provided, single submitter. Criteria: ACMG Guidelines, 2015. Collection method: clinical testing. Allele origin: germline.

GeneDx
Classification: Likely benign. Last evaluated: 2016-07-20. Review status: criteria provided, single submitter. Criteria: GeneDx Variant Classification (06012015). Collection method: clinical testing. Allele origin: germline. Affected: yes.
Comment: This variant is considered likely benign or benign based on one or more of the following criteria: it is a conservative change, it occurs at a poorly conserved position in the protein, it is predicted to be benign by multiple in silico algorithms, and/or has population frequency not consistent with disease.